The following is an entry in ClinVar:

NM_001734.5(C1S):c.88C>G (p.Gln30Glu)

Gene: C1S (complement C1s; plus strand). Cytogenetic location: 12p13.31.
Variant type: single nucleotide variant.
Coding change: c.88C>G on transcript NM_001734.5 (MANE Select); coding-DNA position 88, C replaced by G.
Protein change: p.Gln30Glu; replaces glutamine 30 with glutamic acid.
Molecular consequence: missense variant. On other transcripts: intron variant (1).
Genome position (GRCh38, 1-based): chr12:7,062,557, C>G. VCF-style: chr12-7062557-C-G. GRCh37 (hg19) VCF-style: chr12-7169861-C-G.
Other names: c.88C>G (NM_201442.2); c.88C>G, p.Gln30Glu (NM_201442.4); c.-288-333C>G (NM_001346850.2); short protein forms Q30E.
Identifiers: ClinVar variation 2895205 (VCV002895205.4), dbSNP rs143729983, ClinGen allele CA6423308.
Genomic context (GRCh38, chr12:7,062,557, plus strand): 5'-TTGGCATGGGTTTATGCTGAGCCTACCATGTATGGGGAGATCCTGTCCCCTAACTATCCT[C>G]AGGCATATCCCAGTGAGGTAGAGAAATCTTGGGACATAGAAGTTCCTGAAGGGTATGGGA-3'
Protein context (NP_001725.1, residues 20-40): YGEILSPNYP[Gln30Glu]AYPSEVEKSW

ClinVar aggregate classification (germline): Uncertain significance. Review status: criteria provided, multiple submitters, no conflicts (2 of 4 stars). 2 submissions from 2 submitters: Uncertain significance (2). Last evaluated 2024-09-27.

Conditions:
Inborn genetic diseases. Identifiers: MedGen C0950123, MeSH D030342.

Allele frequency attached by ClinVar (database versions not stated): gnomAD exomes 0.00001; ExAC 0.00006; TOPMed 0.00008; gnomAD 0.00009; 1000 Genomes Project 30x 0.00016; 1000 Genomes Project 0.00020; ESP Exome Variant Server 0.00023.
gnomAD v4.1: 26 of 1,613,946 alleles (0.0016%); highest among the groups gnomAD compares: African/African-American, 0.035%; no homozygotes.

Submissions (2):

Labcorp Genetics (formerly Invitae), Labcorp
Classification: Uncertain significance. Last evaluated: 2024-09-27. Review status: criteria provided, single submitter. Criteria: Invitae Variant Classification Sherloc (09022015). Collection method: clinical testing. Allele origin: germline.
Comment: This sequence change replaces glutamine, which is neutral and polar, with glutamic acid, which is acidic and polar, at codon 30 of the C1S protein (p.Gln30Glu). This variant is present in population databases (rs143729983, gnomAD 0.05%). This variant has not been reported in the literature in individuals affected with C1S-related conditions. An algorithm developed to predict the effect of missense changes on protein structure and function (PolyPhen-2) suggests that this variant is likely to be tolerated. In summary, the available evidence is currently insufficient to determine the role of this variant in disease. Therefore, it has been classified as a Variant of Uncertain Significance.

Ambry Genetics
Classification: Uncertain significance for Inborn genetic diseases. Last evaluated: 2024-05-15. Review status: criteria provided, single submitter. Criteria: Ambry Variant Classification Scheme 2023. Collection method: clinical testing. Allele origin: germline.